The following is an entry in ClinVar:

NM_012208.4(HARS2):c.184-3C>T

Gene: HARS2 (histidyl-tRNA synthetase 2, mitochondrial; plus strand). Cytogenetic location: 5q31.3.
Variant type: single nucleotide variant.
Coding change: c.184-3C>T on transcript NM_012208.4 (MANE Select); 3 bases into the intron before coding-DNA position 184, C replaced by T.
Molecular consequence: intron variant.
Genome position (GRCh38, 1-based): chr5:140,693,932, C>T. VCF-style: chr5-140693932-C-T. GRCh37 (hg19) VCF-style: chr5-140073517-C-T.
Other names: c.-27-3C>T (NM_001278732.2, NM_001363536.2); c.202-3C>T (NM_001363535.2); c.109-3C>T (NM_001278731.2).
Identifiers: ClinVar variation 1205814 (VCV001205814.9), dbSNP rs762549394, ClinGen allele CA3444340.

ClinVar aggregate classification (germline): Conflicting classifications of pathogenicity. Review status: criteria provided, conflicting classifications (1 of 4 stars). 2 submissions from 2 submitters: Uncertain significance (1); Likely benign (1). Last evaluated 2021-08-12.

Allele frequency attached by ClinVar (database versions not stated): gnomAD 0.00001; gnomAD exomes 0.00001 and 0.00002; ExAC 0.00002; TOPMed 0.00002.

Submissions (2):

Labcorp Genetics (formerly Invitae), Labcorp
Classification: Uncertain significance. Last evaluated: 2021-08-12. Review status: criteria provided, single submitter. Criteria: Invitae Variant Classification Sherloc (09022015). Collection method: clinical testing. Allele origin: germline.
Comment: This sequence change falls in intron 2 of the HARS2 gene. It does not directly change the encoded amino acid sequence of the HARS2 protein. It affects a nucleotide within the consensus splice site of the intron. This variant is present in population databases (rs762549394, ExAC 0.02%). This variant has not been reported in the literature in individuals affected with HARS2-related conditions. Variants that disrupt the consensus splice site are a relatively common cause of aberrant splicing (PMID: 17576681, 9536098). Algorithms developed to predict the effect of sequence changes on RNA splicing suggest that this variant is not likely to affect RNA splicing. In summary, the available evidence is currently insufficient to determine the role of this variant in disease. Therefore, it has been classified as a Variant of Uncertain Significance.

GeneDx
Classification: Likely benign. Last evaluated: 2021-05-04. Review status: criteria provided, single submitter. Criteria: GeneDx Variant Classification Process June 2021. Collection method: clinical testing. Allele origin: germline. Affected: yes.

Literature cited by the submitters: PubMed 17576681 (cited by Labcorp Genetics (formerly Invitae), Labcorp); PubMed 9536098 (cited by Labcorp Genetics (formerly Invitae), Labcorp).